The following is an entry in ClinVar:

NM_000038.6(APC):c.7742G>T (p.Ser2581Ile)

Gene: APC (APC regulator of Wnt signaling pathway; plus strand). Cytogenetic location: 5q22.2.
Variant type: single nucleotide variant.
Coding change: c.7742G>T on transcript NM_000038.6 (MANE Select); coding-DNA position 7742, G replaced by T.
Protein change: p.Ser2581Ile; replaces serine 2581 with isoleucine.
Molecular consequence: missense variant.
Genome position (GRCh38, 1-based): chr5:112,843,336, G>T. VCF-style: chr5-112843336-G-T. GRCh37 (hg19) VCF-style: chr5-112179033-G-T.
Other names: c.7742G>T, p.Ser2581Ile (NM_001127510.3, NM_001354895.2); c.7688G>T, p.Ser2563Ile (NM_001127511.3); c.7796G>T, p.Ser2599Ile (NM_001354896.2); c.7772G>T, p.Ser2591Ile (NM_001354897.2); c.7667G>T, p.Ser2556Ile (NM_001354898.2); c.7658G>T, p.Ser2553Ile (NM_001354899.2); c.7619G>T, p.Ser2540Ile (NM_001354900.2); c.7565G>T, p.Ser2522Ile (NM_001354901.2); and 5 more; short protein forms S2298I, S2421I, S2455I, S2480I, S2490I, S2522I, S2540I, S2553I.
Identifiers: ClinVar variation 1051127 (VCV001051127.14), dbSNP rs1203301360, ClinGen allele CA16038145.

ClinVar aggregate classification (germline): Uncertain significance. Review status: criteria provided, multiple submitters, no conflicts (2 of 4 stars). 3 submissions from 3 submitters: Uncertain significance (3). Last evaluated 2025-06-17.

Conditions:
Hereditary cancer-predisposing syndrome. Also called: Tumor predisposition; Hereditary neoplastic syndrome; Hereditary Cancer Syndrome; Neoplastic Syndromes, Hereditary. Identifiers: Orphanet 140162, MedGen C0027672, MeSH D009386, MONDO:0015356.
Familial adenomatous polyposis 1 (FAP1). Also called: POLYPOSIS, ADENOMATOUS INTESTINAL; FAMILIAL ADENOMATOUS POLYPOSIS 1, ATTENUATED. Identifiers: MedGen C2713442, MONDO:0021056, OMIM 175100. Disease mechanism: loss of function.

Allele frequency attached by ClinVar (database versions not stated): gnomAD exomes below 0.00001.
gnomAD v4.1: 1 of 1,613,602 alleles (0.000062%); highest among the groups gnomAD compares: Non-Finnish European, 0.000085%; no homozygotes.

Submissions (3):

Color Diagnostics, LLC DBA Color Health
Classification: Uncertain significance for Hereditary cancer-predisposing syndrome. Last evaluated: 2025-06-17. Review status: criteria provided, single submitter. Criteria: ACMG Guidelines, 2015. Collection method: clinical testing. Allele origin: germline.
Comment: This missense variant replaces serine with isoleucine at codon 2581 of the APC protein. Computational prediction suggests that this variant may not impact protein structure and function. To our knowledge, functional studies have not been reported for this variant. This variant has not been reported in individuals affected with APC-related disorders in the literature. This variant has not been identified in the general population by the Genome Aggregation Database (gnomAD). The available evidence is insufficient to determine the role of this variant in disease conclusively. Therefore, this variant is classified as a Variant of Uncertain Significance.

Ambry Genetics
Classification: Uncertain significance for Hereditary cancer-predisposing syndrome. Last evaluated: 2025-05-01. Review status: criteria provided, single submitter. Criteria: Ambry Variant Classification Scheme 2023. Collection method: clinical testing. Allele origin: germline.
Comment: The p.S2581I variant (also known as c.7742G>T), located in coding exon 15 of the APC gene, results from a G to T substitution at nucleotide position 7742. The serine at codon 2581 is replaced by isoleucine, an amino acid with dissimilar properties. This amino acid position is highly conserved in available vertebrate species. In addition, in silico predictors for this gene do not accurately predict pathogenicity. Missense alterations in APC are not a common cause of disease (Spier I et al. Genet Med. 2024 Feb;26(2):100992). Based on the available evidence, the clinical significance of this variant remains unclear.

Labcorp Genetics (formerly Invitae), Labcorp
Classification: Uncertain significance for Familial adenomatous polyposis 1. Last evaluated: 2024-07-15. Review status: criteria provided, single submitter. Criteria: Invitae Variant Classification Sherloc (09022015). Collection method: clinical testing. Allele origin: germline.
Comment: This sequence change replaces serine, which is neutral and polar, with isoleucine, which is neutral and non-polar, at codon 2581 of the APC protein (p.Ser2581Ile). This variant is not present in population databases (gnomAD no frequency). This variant has not been reported in the literature in individuals affected with APC-related conditions. ClinVar contains an entry for this variant (Variation ID: 1051127). Advanced modeling of protein sequence and biophysical properties (such as structural, functional, and spatial information, amino acid conservation, physicochemical variation, residue mobility, and thermodynamic stability) performed at Invitae indicates that this missense variant is not expected to disrupt APC protein function with a negative predictive value of 95%. In summary, the available evidence is currently insufficient to determine the role of this variant in disease. Therefore, it has been classified as a Variant of Uncertain Significance.